The following is an entry in ClinVar:

ClinVar aggregate classification (germline): Uncertain significance (1 of 4 stars; one submission).

Allele frequency attached by ClinVar (database versions not stated): TOPMed below 0.00001; ExAC 0.00001; gnomAD exomes below 0.00001; gnomAD 0.00001.

Submission:

Labcorp Genetics (formerly Invitae), Labcorp
Classification: Uncertain significance. Last evaluated: 2024-01-08. Review status: criteria provided, single submitter. Criteria: Invitae Variant Classification Sherloc (09022015). Collection method: clinical testing. Allele origin: germline.
Comment: This sequence change replaces isoleucine, which is neutral and non-polar, with valine, which is neutral and non-polar, at codon 490 of the HARS2 protein (p.Ile490Val). This variant is present in population databases (rs767685397, gnomAD 0.0009%). This variant has not been reported in the literature in individuals affected with HARS2-related conditions. ClinVar contains an entry for this variant (Variation ID: 2054530). Advanced modeling of protein sequence and biophysical properties (such as structural, functional, and spatial information, amino acid conservation, physicochemical variation, residue mobility, and thermodynamic stability) performed at Invitae indicates that this missense variant is not expected to disrupt HARS2 protein function with a negative predictive value of 80%. In summary, the available evidence is currently insufficient to determine the role of this variant in disease. Therefore, it has been classified as a Variant of Uncertain Significance.

NM_012208.4(HARS2):c.1468A>G (p.Ile490Val)

Gene: HARS2 (histidyl-tRNA synthetase 2, mitochondrial; plus strand). Cytogenetic location: 5q31.3.
Variant type: single nucleotide variant.
Coding change: c.1468A>G on transcript NM_012208.4 (MANE Select); coding-DNA position 1468, A replaced by G.
Protein change: p.Ile490Val; replaces isoleucine 490 with valine.
Molecular consequence: missense variant.
Genome position (GRCh38, 1-based): chr5:140,698,499, A>G. VCF-style: chr5-140698499-A-G. GRCh37 (hg19) VCF-style: chr5-140078084-A-G.
Other names: c.1393A>G, p.Ile465Val (NM_001278731.2); c.1036A>G, p.Ile346Val (NM_001278732.2); c.1486A>G, p.Ile496Val (NM_001363535.2); c.1258A>G, p.Ile420Val (NM_001363536.2); short protein forms I420V, I465V, I490V, I496V, I346V.
Identifiers: ClinVar variation 2054530 (VCV002054530.4), dbSNP rs767685397, ClinGen allele CA3444732.
Genomic context (GRCh38, chr5:140,698,499, plus strand): 5'-AAGGAGTTAGTATCACTTTCTAGTTTATCACATGAGGATTCTCTTATGTTTCAGGTGGCC[A>G]TTAAACGGGAAAATTTTGTGGCTGAAATTCAGAAGCGACTGTCTGAGTCTTGATCCTTGC-3'
Protein context (NP_036340.1, residues 480-500): RSVASREEVA[Ile490Val]KRENFVAEIQ